The following is an entry in ClinVar:

ClinVar aggregate classification (germline): Likely benign. Review status: criteria provided, multiple submitters, no conflicts (2 of 4 stars). 2 submissions from 2 submitters: Likely benign (2). Last evaluated 2023-09-27.

Conditions:
Neurodevelopmental disorder with or without hyperkinetic movements and seizures, autosomal dominant. Also called: Intellectual disability, autosomal dominant 8. Identifiers: MedGen C3280282, MONDO:0013655, OMIM 614254.

Allele frequency attached by ClinVar (database versions not stated): gnomAD exomes below 0.00001; TOPMed below 0.00001; ExAC 0.00001.

Submissions (2):

Labcorp Genetics (formerly Invitae), Labcorp
Classification: Likely benign for Neurodevelopmental disorder with or without hyperkinetic movements and seizures, autosomal dominant. Last evaluated: 2023-09-27. Review status: criteria provided, single submitter. Criteria: Invitae Variant Classification Sherloc (09022015). Collection method: clinical testing. Allele origin: germline.

GeneDx
Classification: Likely benign. Last evaluated: 2017-04-27. Review status: criteria provided, single submitter. Criteria: GeneDx Variant Classification (06012015). Collection method: clinical testing. Allele origin: germline. Affected: yes.
Comment: This variant is considered likely benign or benign based on one or more of the following criteria: it is a conservative change, it occurs at a poorly conserved position in the protein, it is predicted to be benign by multiple in silico algorithms, and/or has population frequency not consistent with disease.

NM_007327.4(GRIN1):c.63G>A (p.Ala21=)

Gene: GRIN1 (glutamate ionotropic receptor NMDA type subunit 1; plus strand). Cytogenetic location: 9q34.3.
Variant type: single nucleotide variant.
Coding change: c.63G>A on transcript NM_007327.4 (MANE Select); coding-DNA position 63, G replaced by A.
Protein change: p.Ala21=; no amino-acid change (alanine 21 retained).
Molecular consequence: synonymous variant.
Genome position (GRCh38, 1-based): chr9:137,139,549, G>A. VCF-style: chr9-137139549-G-A. GRCh37 (hg19) VCF-style: chr9-140034001-G-A.
Other names: c.63G>A, p.Ala21= (NM_000832.7, NM_001185090.2, NM_001185091.2 and 1 more transcripts).
Identifiers: ClinVar variation 509224 (VCV000509224.12), dbSNP rs759756646, ClinGen allele CA5360576.